The following is an entry in ClinVar:

NM_144997.7(FLCN):c.1432+10C>T

Gene: FLCN (folliculin; minus strand). Cytogenetic location: 17p11.2.
Variant type: single nucleotide variant.
Coding change: c.1432+10C>T on transcript NM_144997.7 (MANE Select); 10 bases into the intron after coding-DNA position 1432, C replaced by T.
Molecular consequence: intron variant.
Genome position (GRCh38, 1-based): chr17:17,215,175, G>A on the plus strand (C>T on the coding strand, the complement: FLCN is on the minus strand). VCF-style: chr17-17215175-G-A. GRCh37 (hg19) VCF-style: chr17-17118489-G-A.
Other names: c.1432+10C>T (NM_001353231.2, NM_001353230.2); c.1486+10C>T (NM_001353229.2).
Identifiers: ClinVar variation 3773030 (VCV003773030.2).

ClinVar aggregate classification (germline): Likely benign. Review status: criteria provided, multiple submitters, no conflicts (2 of 4 stars). 2 submissions from 2 submitters: Likely benign (2). Last evaluated 2025-02-16.

Conditions:
Birt-Hogg-Dube syndrome. Also called: Birt Hogg Dubé syndrome. Identifiers: Orphanet 122, MedGen C0346010, MONDO:0800444.
Birt-Hogg-Dube syndrome 1 (BHD1). Also called: FIBROFOLLICULOMAS WITH TRICHODISCOMAS AND ACROCHORDONS. Identifiers: Orphanet 122, MedGen CN375946, MONDO:0800445, OMIM 135150.

gnomAD v4.1: 3 of 1,614,064 alleles (0.00019%); highest among the groups gnomAD compares: Non-Finnish European, 0.00017%; no homozygotes.

Submissions (2):

Labcorp Genetics (formerly Invitae), Labcorp
Classification: Likely benign for Birt-Hogg-Dube syndrome. Last evaluated: 2025-02-16. Review status: criteria provided, single submitter. Criteria: Invitae Variant Classification Sherloc (09022015). Collection method: clinical testing. Allele origin: germline.

Myriad Genetics, Inc.
Classification: Likely benign for Birt-Hogg-Dube syndrome 1. Last evaluated: 2024-10-25. Review status: criteria provided, single submitter. Criteria: Myriad Autosomal Dominant, Autosomal Recessive and X-Linked Classification Criteria (2023). Collection method: clinical testing. Allele origin: unknown.
Comment: This variant is considered likely benign. This variant is intronic and is not expected to impact mRNA splicing.